The following is an entry in ClinVar:

ClinVar aggregate classification (germline): Likely pathogenic (1 of 4 stars; one submission).

Conditions:
Spondyloperipheral dysplasia. Also called: SPONDYLOPERIPHERAL DYSPLASIA WITH SHORT ULNA; Spondyloperipheral dysplasia-short ulna syndrome. Identifiers: Orphanet 1856, MedGen C0796173, MONDO:0010078, OMIM 271700.
Multiple epiphyseal dysplasia, Beighton type. Identifiers: Orphanet 166011, MedGen C1851536, MONDO:0007562, OMIM 132450.
Spondyloepimetaphyseal dysplasia, Strudwick type (SEMDSTWK). Also called: DAPPLED METAPHYSIS SYNDROME; STRUDWICK SYNDROME. Identifiers: Orphanet 93346, MedGen C0700635, MONDO:0008476, OMIM 184250.
Legg-Calve-Perthes disease. Also called: PERTHES DISEASE; Osteochondritis deformans; Coxa plana; Avascular necrosis of the capital femoral epiphysis. Identifiers: Orphanet 2380, MedGen C1442965, MONDO:0007885, OMIM 150600, HP:0005743.
Stickler syndrome type 1 (STL1). Also called: ARTHROOPHTHALMOPATHY, HEREDITARY PROGRESSIVE; STICKLER SYNDROME, MEMBRANOUS VITREOUS TYPE; STICKLER SYNDROME, VITREOUS TYPE 1; COL2A1-Related Stickler Syndrome. Identifiers: Orphanet 828, Orphanet 90653, MedGen C2020284, MONDO:0007160, OMIM 108300.
Platyspondylic dysplasia, Torrance type (PLSDT). Identifiers: Orphanet 85166, MedGen C1835437, MONDO:0007895, OMIM 151210.
Spondyloepiphyseal dysplasia with metatarsal shortening. Also called: CZECH DYSPLASIA, METATARSAL TYPE; SPONDYLOEPIPHYSEAL DYSPLASIA WITH PRECOCIOUS OSTEOARTHRITIS; Pseudorheumatoid dysplasia progressive, with hypoplastic toes. Identifiers: Orphanet 137678, MedGen C1836683, MONDO:0012206, OMIM 609162.
Avascular necrosis of femoral head, primary, 1 (ANFH1). Also called: Avascular necrosis of femoral head, primary. Identifiers: Orphanet 86820, MedGen C4551562, MONDO:0054550, OMIM 608805.
Kniest dysplasia. Identifiers: Orphanet 485, MedGen C0265279, MONDO:0007987, OMIM 156550.
Namaqualand hip dysplasia (OSCDP). Also called: Mild spondyloepiphyseal dysplasia due to COL2A1 mutation with early-onset osteoarthritis. Identifiers: Orphanet 93279, MedGen C0432214, MONDO:0011496, OMIM 604864.
Spondylometaphyseal dysplasia, Schmidt type (SMDALG). Also called: SPONDYLOMETAPHYSEAL DYSPLASIA WITH SEVERE GENU VALGUM; SPONDYLOMETAPHYSEAL DYSPLASIA, ALGERIAN TYPE. Identifiers: Orphanet 93316, MedGen C1866688, MONDO:0008478, OMIM 184253.
Spondyloepiphyseal dysplasia, Stanescu type. Also called: SED, STANESCU TYPE; SPONDYLOEPIMETAPHYSEAL DYSPLASIA, STANESCU TYPE. Identifiers: Orphanet 459051, MedGen C4225273, MONDO:0014701, OMIM 616583.
Vitreoretinopathy with phalangeal epiphyseal dysplasia (VPED). Identifiers: MedGen C1852989, MONDO:0031001, OMIM 619248.
Spondyloepiphyseal dysplasia congenita (SEDC). Also called: SED CONGENITA; SPONDYLOEPIPHYSEAL DYSPLASIA, CONGENITAL TYPE. Identifiers: Orphanet 94068, MedGen C2745959, MONDO:0008471, OMIM 183900.
Stickler syndrome, type I, nonsyndromic ocular. Also called: STICKLER SYNDROME, TYPE I, PREDOMINANTLY OCULAR; STICKLER SYNDROME, ATYPICAL. Identifiers: MedGen C1836080, MONDO:0012287, OMIM 609508.
Achondrogenesis type II (ACG2). Also called: ACHONDROGENESIS, LANGER-SALDINO TYPE; CHONDROGENESIS IMPERFECTA. Identifiers: Orphanet 932, Orphanet 93296, MedGen C0220685, MONDO:0008702, OMIM 200610.

Submission:

Juno Genomics, Hangzhou Juno Genomics, Inc
Classification: Likely pathogenic for Spondyloepiphyseal dysplasia congenita; Spondyloepiphyseal dysplasia, Stanescu type; Spondyloperipheral dysplasia; Stickler syndrome type 1; Stickler syndrome, type I, nonsyndromic ocular; Spondylometaphyseal dysplasia, Schmidt type; Multiple epiphyseal dysplasia, Beighton type; Vitreoretinopathy with phalangeal epiphyseal dysplasia; Achondrogenesis type II; Avascular necrosis of femoral head, primary, 1; Spondyloepimetaphyseal dysplasia, Strudwick type; Spondyloepiphyseal dysplasia with metatarsal shortening; Kniest dysplasia; Legg-Calve-Perthes disease; Namaqualand hip dysplasia; Platyspondylic dysplasia, Torrance type. Review status: criteria provided, single submitter. Criteria: ACMG Guidelines, 2015. Collection method: clinical testing. Allele origin: germline. Affected: yes.
Comment: Absent from controls (or at extremely low frequency if recessive) in Genome Aggregation Database.;De novo (both maternity and paternity confirmed) in a patient with the disease and no family history.;Multiple lines of computational evidence support a deleterious effect on the gene or gene product.;Missense variant in a gene that has a low rate of benign missense variation.

NM_001844.5(COL2A1):c.1978G>A (p.Gly660Arg)

Gene: COL2A1 (collagen type II alpha 1 chain; minus strand). Cytogenetic location: 12q13.11.
Variant type: single nucleotide variant.
Coding change: c.1978G>A on transcript NM_001844.5 (MANE Select); coding-DNA position 1978, G replaced by A.
Protein change: p.Gly660Arg; replaces glycine 660 with arginine.
Molecular consequence: missense variant.
Genome position (GRCh38, 1-based): chr12:47,983,700, C>T on the plus strand (G>A on the coding strand, the complement: COL2A1 is on the minus strand). VCF-style: chr12-47983700-C-T. GRCh37 (hg19) VCF-style: chr12-48377483-C-T.
Other names: c.1771G>A, p.Gly591Arg (NM_033150.3); short protein forms G591R, G660R.
Identifiers: ClinVar variation 5007632 (VCV005007632.1).
Genomic context (GRCh38, chr12:47,983,700, plus strand): 5'-GTATGGCAAAGGACTGCACAGAGAGCCTGGTCCAGCCACCTACCTGGAACCCAGATGGCC[C>T]AGGAGCACCCTGCTCGCCTCGTTCACCAGCAGGTCCCTGCAGTGGAAAAGAAAAGGTGAG-3'
Protein context (NP_001835.3, residues 650-670): AGERGEQGAP[Gly660Arg]PSGFQGLPGP